The following is an entry in ClinVar:

ClinVar aggregate classification (germline): Pathogenic (1 of 4 stars; one submission).

Submission:

GeneDx
Classification: Pathogenic. Last evaluated: 2021-06-17. Review status: criteria provided, single submitter. Criteria: GeneDx Variant Classification Process June 2021. Collection method: clinical testing. Allele origin: germline. Affected: yes.
Comment: Has not been previously published as pathogenic or benign to our knowledge; Frameshift variant predicted to result in protein truncation or nonsense mediated decay in a gene for which loss-of-function is a known mechanism of disease; Not observed at significant frequency in large population cohorts (Lek et al., 2016); This variant is associated with the following publications: (PMID: 27535533)

NM_201384.3(PLEC):c.1252del (p.Leu418fs)

Genes: PLEC (plectin; minus strand), LOC130001334 (ATAC-STARR-seq lymphoblastoid silent region 19628; plus strand). Cytogenetic location: 8q24.3.
Variant type: Deletion.
Coding change: c.1252del on transcript NM_201384.3 (MANE Select); coding-DNA position 1252, one base deleted (C; older notation c.1252delC).
Protein change: p.Leu418fs; shifts the reading frame from leucine 418.
Molecular consequence: frameshift variant.
Genome position (GRCh38, 1-based): chr8:143,934,009, G deleted on the plus strand (C on the coding strand, the reverse complement: PLEC is on the minus strand); the first of 3 consecutive G bases (chr8:143,934,009-143,934,011); deleting any one gives the same sequence. VCF-style (leftmost placement, unchanged base first): chr8-143934008-AG-A. GRCh37 (hg19) VCF-style: chr8-145008176-AG-A.
Other names: c.1333delC (NM_000445.3); c.1333del, p.Leu445fs (NM_000445.5); c.1210del, p.Leu404fs (NM_201378.4); c.1186del, p.Leu396fs (NM_201379.3); c.1663del, p.Leu555fs (NM_201380.4); c.1156del, p.Leu386fs (NM_201381.3); c.1252del, p.Leu418fs (NM_201382.4); c.1264del, p.Leu422fs (NM_201383.3); short protein forms L386fs, L445fs, L555fs, L418fs, L396fs, L404fs, L422fs.
Identifiers: ClinVar variation 280769 (VCV000280769.3), dbSNP rs886041915, ClinGen allele CA10602983.